The following is an entry in ClinVar:

NM_153704.6(TMEM67):c.148G>A (p.Asp50Asn)

Gene: TMEM67 (transmembrane protein 67; plus strand). Cytogenetic location: 8q22.1.
Variant type: single nucleotide variant.
Coding change: c.148G>A on transcript NM_153704.6 (MANE Select); coding-DNA position 148, G replaced by A.
Protein change: p.Asp50Asn; replaces aspartic acid 50 with asparagine.
Molecular consequence: missense variant. On other transcripts: 5 prime UTR variant (1), non-coding transcript variant (1).
Genome position (GRCh38, 1-based): chr8:93,755,062, G>A. VCF-style: chr8-93755062-G-A. GRCh37 (hg19) VCF-style: chr8-94767290-G-A.
Other names: c.-137G>A (NM_001142301.1); short protein forms D50N.
Identifiers: ClinVar variation 1490743 (VCV001490743.6), dbSNP rs144253777, ClinGen allele CA371685340.
Genomic context (GRCh38, chr8:93,755,062, plus strand): 5'-CTCCCTCGCTTCTTACAGGCCCAGACCTTCTCTTTCCCTTTCCAGCAGCCGGAGAAGTGC[G>A]ACAACAACCAGTACTTTGATATCTCCGCCCTCTCGTGTGTTCCTTGTGGAGCTAACCAGA-3'
Protein context (NP_714915.3, residues 40-60): SFPFQQPEKC[Asp50Asn]NNQYFDISAL

ClinVar aggregate classification (germline): Uncertain significance (1 of 4 stars; one submission).

Conditions:
Meckel-Gruber syndrome. Also called: DYSENCEPHALIA SPLANCHNOCYSTICA; GRUBER SYNDROME; Dysencephalia splachnocystica. Identifiers: Orphanet 564, MedGen C0265215, MONDO:0018921.
Joubert syndrome. Also called: CEREBELLOPARENCHYMAL DISORDER IV; JOUBERT-BOLTSHAUSER SYNDROME; Familial aplasia of the vermis. Identifiers: Orphanet 475, MedGen C5979921, MONDO:0018772.

gnomAD v4.1: 3 of 1,614,042 alleles (0.00019%); highest among the groups gnomAD compares: African/African-American, 0.0027%; no homozygotes.

Submission:

Labcorp Genetics (formerly Invitae), Labcorp
Classification: Uncertain significance for Joubert syndrome; Meckel-Gruber syndrome. Last evaluated: 2022-03-02. Review status: criteria provided, single submitter. Criteria: Invitae Variant Classification Sherloc (09022015). Collection method: clinical testing. Allele origin: germline.
Comment: This variant has not been reported in the literature in individuals affected with TMEM67-related conditions. In summary, the available evidence is currently insufficient to determine the role of this variant in disease. Therefore, it has been classified as a Variant of Uncertain Significance. Advanced modeling of protein sequence and biophysical properties (such as structural, functional, and spatial information, amino acid conservation, physicochemical variation, residue mobility, and thermodynamic stability) performed at Invitae indicates that this missense variant is not expected to disrupt TMEM67 protein function. This variant is not present in population databases (gnomAD no frequency). This sequence change replaces aspartic acid, which is acidic and polar, with asparagine, which is neutral and polar, at codon 50 of the TMEM67 protein (p.Asp50Asn).